The following is an entry in ClinVar:

ClinVar aggregate classification (germline): Pathogenic (1 of 4 stars; one submission).

Submission:

Labcorp Genetics (formerly Invitae), Labcorp
Classification: Pathogenic. Last evaluated: 2022-01-16. Review status: criteria provided, single submitter. Criteria: Invitae Variant Classification Sherloc (09022015). Collection method: clinical testing. Allele origin: germline.
Comment: For these reasons, this variant has been classified as Pathogenic. This variant disrupts a region of the MPV17 protein in which other variant(s) (p.Pro98Leu) have been determined to be pathogenic (PMID: 20074988, 22508010, 23714749, 25129007, 27536553). This suggests that this is a clinically significant region of the protein, and that variants that disrupt it are likely to be disease-causing. This variant has not been reported in the literature in individuals affected with MPV17-related conditions. This variant is a gross deletion of the genomic region encompassing exon(s) 3-7 of the MPV17 gene. While this deletion is not anticipated to lead to nonsense mediated decay, it is expected to disrupt the C-terminus of the protein.

Literature cited by the submitters: PubMed 20074988; PubMed 22508010; PubMed 23714749; PubMed 25129007; PubMed 27536553.

NC_000002.11:g.(?_27534757)_(27535986_?)del

Gene: MPV17 (mitochondrial inner membrane protein MPV17; minus strand). Cytogenetic location: 2p23.3.
Variant type: Deletion.
Identifiers: ClinVar variation 2424433 (VCV002424433.4).